The following is an entry in ClinVar:

NM_012452.3(TNFRSF13B):c.519C>T (p.Ala173=)

Gene: TNFRSF13B (TNF receptor superfamily member 13B; minus strand). Cytogenetic location: 17p11.2.
Variant type: single nucleotide variant.
Coding change: c.519C>T on transcript NM_012452.3 (MANE Select); coding-DNA position 519, C replaced by T.
Protein change: p.Ala173=; no amino-acid change (alanine 173 retained).
Molecular consequence: synonymous variant.
Genome position (GRCh38, 1-based): chr17:16,940,438, G>A on the plus strand (C>T on the coding strand, the complement: TNFRSF13B is on the minus strand). VCF-style: chr17-16940438-G-A. GRCh37 (hg19) VCF-style: chr17-16843752-G-A.
Identifiers: ClinVar variation 538717 (VCV000538717.15), dbSNP rs151139237, ClinGen allele CA8413964.
Genomic context (GRCh38, chr17:16,940,438, plus strand): 5'-GCAGGGATCCCCCCTCTTCTTGAGGAAGCAGGCCACCGCCACCAGGAAGCAGCAGAGGAC[G>A]GCACACAGGCAGAGCCCCAGCGTGCTGTAGACCAGGGCCACCTGATCTGCACTCAGCTTC-3'
Protein context (NP_036584.1, residues 163-183): VYSTLGLCLC[Ala173=]VLCCFLVAVA

ClinVar aggregate classification (germline): Likely benign. Review status: criteria provided, multiple submitters, no conflicts (2 of 4 stars). 5 submissions from 5 submitters: Likely benign (5). Last evaluated 2026-09-01.

Conditions:
Immunodeficiency, common variable, 2 (CVID2). Also called: HYPOGAMMAGLOBULINEMIA DUE TO TACI DEFICIENCY; ANTIBODY DEFICIENCY DUE TO TACI DEFECT. Identifiers: Orphanet 1572, MedGen C3150354, MONDO:0009413, OMIM 240500.
TNFRSF13B-related disorder. Also called: TNFRSF13B-related condition.

Allele frequency attached by ClinVar (database versions not stated): gnomAD exomes 0.00018; ExAC 0.00021; ESP Exome Variant Server 0.00031; gnomAD 0.00056 and 0.00061; 1000 Genomes Project 30x 0.00078; TOPMed 0.00084; 1000 Genomes Project 0.00100.
gnomAD v4.1: 253 of 1,613,936 alleles (0.016%); highest among the groups gnomAD compares: African/African-American, 0.21%; 2 homozygotes.

Submissions (5):

CeGaT Center for Human Genetics Tuebingen
Classification: Likely benign. Last evaluated: 2026-09-01. Review status: criteria provided, single submitter. Criteria: CeGaT Center For Human Genetics Tuebingen Variant Classification Criteria Version 2. Collection method: clinical testing. Allele origin: germline. Affected: yes. Observed: 1 variant allele.
Comment: TNFRSF13B: BP4, BP7

Labcorp Genetics (formerly Invitae), Labcorp
Classification: Likely benign for Immunodeficiency, common variable, 2. Last evaluated: 2026-01-26. Review status: criteria provided, single submitter. Criteria: Invitae Variant Classification Sherloc (09022015). Collection method: clinical testing. Allele origin: germline.

Women's Health and Genetics/Laboratory Corporation of America, LabCorp
Classification: Likely benign. Last evaluated: 2026-01-23. Review status: criteria provided, single submitter. Criteria: LabCorp Variant Classification Summary - May 2015. Collection method: clinical testing. Allele origin: germline.

PreventionGenetics, part of Exact Sciences
Classification: Likely benign for TNFRSF13B-related condition. Last evaluated: 2025-09-22. Review status: criteria provided, single submitter. Criteria: ACMG Guidelines, 2015. Collection method: clinical testing. Allele origin: germline.
Comment: This variant is classified as likely benign based on ACMG/AMP sequence variant interpretation guidelines (Richards et al. 2015 PMID: 25741868, with internal and published modifications).

Breakthrough Genomics
Classification: Likely benign. Review status: criteria provided, single submitter. Criteria: ACMG Guidelines, 2015. Collection method: not provided. Allele origin: germline. Inheritance: Autosomal recessive inheritance. Affected: yes.